The following is an entry in ClinVar:

ClinVar aggregate classification (germline): Likely benign. Review status: criteria provided, multiple submitters, no conflicts (2 of 4 stars). 4 submissions from 4 submitters: Likely benign (3). 1 of the submissions does not count toward it. Last evaluated 2026-03-01.

Conditions:
NUP62-related disorder. Also called: NUP62-related condition.

Allele frequency attached by ClinVar (database versions not stated): TOPMed 0.00042; 1000 Genomes Project 30x 0.00016; gnomAD exomes 0.00049; gnomAD 0.00044 and 0.00046; ExAC 0.00051; 1000 Genomes Project 0.00020.
gnomAD v4.1: 666 of 1,614,138 alleles (0.041%); highest among the groups gnomAD compares: Non-Finnish European, 0.048%; 1 homozygote.

Submissions (4):

CeGaT Center for Human Genetics Tuebingen
Classification: Likely benign. Last evaluated: 2026-03-01. Review status: criteria provided, single submitter. Criteria: CeGaT Center For Human Genetics Tuebingen Variant Classification Criteria Version 2. Collection method: clinical testing. Allele origin: germline. Affected: yes. Observed: 2 variant alleles.
Comment: NUP62: BP4, BP7

Labcorp Genetics (formerly Invitae), Labcorp
Classification: Likely benign. Last evaluated: 2025-12-16. Review status: criteria provided, single submitter. Criteria: Invitae Variant Classification Sherloc (09022015). Collection method: clinical testing. Allele origin: germline.

Blueprint Genetics
Classification: Likely benign. Last evaluated: 2024-11-25. Review status: criteria provided, single submitter. Criteria: ACMG Guidelines, 2015. Collection method: clinical testing. Allele origin: germline.

PreventionGenetics, part of Exact Sciences
Classification: Likely benign for NUP62-related condition. Last evaluated: 2019-05-02. Review status: no assertion criteria provided. Collection method: clinical testing. Allele origin: germline. Not counted in ClinVar's aggregate classification.
Comment: This variant is classified as likely benign based on ACMG/AMP sequence variant interpretation guidelines (Richards et al. 2015 PMID: 25741868, with internal and published modifications).

NM_016553.5(NUP62):c.123G>T (p.Gly41=)

Genes: NUP62 (nucleoporin 62; minus strand), IL4I1 (interleukin 4 induced 1; minus strand). Cytogenetic location: 19q13.33.
Variant type: single nucleotide variant.
Coding change: c.123G>T on transcript NM_016553.5 (MANE Select); coding-DNA position 123, G replaced by T.
Protein change: p.Gly41=; no amino-acid change (glycine 41 retained).
Molecular consequence: synonymous variant. On other transcripts: intron variant (3).
Genome position (GRCh38, 1-based): chr19:49,909,685, C>A on the plus strand (G>T on the coding strand, the complement: NUP62 is on the minus strand). VCF-style: chr19-49909685-C-A. GRCh37 (hg19) VCF-style: chr19-50412942-C-A.
Other names: c.123G>T, p.Gly41= (NM_001193357.2, NM_012346.5, NM_153718.4 and 1 more transcripts); c.-227-5364G>T (NM_001258017.2, NM_172374.3); c.-285-5364G>T (NM_001258018.2).
Identifiers: ClinVar variation 1577776 (VCV001577776.32), dbSNP rs150463164, ClinGen allele CA9589202.